The following is an entry in ClinVar:

NM_000382.3(ALDH3A2):c.428C>T (p.Thr143Ile)

Gene: ALDH3A2 (aldehyde dehydrogenase 3 family member A2; plus strand). Cytogenetic location: 17p11.2.
Variant type: single nucleotide variant.
Coding change: c.428C>T on transcript NM_000382.3 (MANE Select); coding-DNA position 428, C replaced by T.
Protein change: p.Thr143Ile; replaces threonine 143 with isoleucine.
Molecular consequence: missense variant. On other transcripts: 5 prime UTR variant (1).
Genome position (GRCh38, 1-based): chr17:19,652,589, C>T. VCF-style: chr17-19652589-C-T. GRCh37 (hg19) VCF-style: chr17-19555902-C-T.
Other names: c.428C>T, p.Thr143Ile (NM_001031806.2, NM_001369136.1, NM_001369137.2 and 3 more transcripts); c.-261C>T (NM_001369148.2); short protein forms T143I.
Identifiers: ClinVar variation 1434575 (VCV001434575.7), dbSNP rs777394874, ClinGen allele CA8442806.

ClinVar aggregate classification (germline): Uncertain significance (1 of 4 stars; one submission).

Allele frequency attached by ClinVar (database versions not stated): gnomAD 0.00001; gnomAD exomes 0.00001; TOPMed 0.00001; ExAC 0.00002.
gnomAD v4.1: 20 of 1,613,940 alleles (0.0012%); highest among the groups gnomAD compares: African/African-American, 0.004%; no homozygotes.

Submission:

Labcorp Genetics (formerly Invitae), Labcorp
Classification: Uncertain significance. Last evaluated: 2025-08-21. Review status: criteria provided, single submitter. Criteria: Invitae Variant Classification Sherloc (09022015). Collection method: clinical testing. Allele origin: germline.
Comment: This sequence change replaces threonine, which is neutral and polar, with isoleucine, which is neutral and non-polar, at codon 143 of the ALDH3A2 protein (p.Thr143Ile). This variant is present in population databases (rs777394874, gnomAD 0.002%). This variant has not been reported in the literature in individuals affected with ALDH3A2-related conditions. ClinVar contains an entry for this variant (Variation ID: 1434575). Invitae Evidence Modeling of protein sequence and biophysical properties (such as structural, functional, and spatial information, amino acid conservation, physicochemical variation, residue mobility, and thermodynamic stability) has been performed for this missense variant. However, the output from this modeling did not meet the statistical confidence thresholds required to predict the impact of this variant on ALDH3A2 protein function. In summary, the available evidence is currently insufficient to determine the role of this variant in disease. Therefore, it has been classified as a Variant of Uncertain Significance.